The following is an entry in ClinVar:

NM_001367561.1(DOCK7):c.4024A>G (p.Thr1342Ala)

Gene: DOCK7 (dedicator of cytokinesis 7; minus strand). Cytogenetic location: 1p31.3.
Variant type: single nucleotide variant.
Coding change: c.4024A>G on transcript NM_001367561.1 (MANE Select); coding-DNA position 4024, A replaced by G.
Protein change: p.Thr1342Ala; replaces threonine 1342 with alanine.
Molecular consequence: missense variant.
Genome position (GRCh38, 1-based): chr1:62,513,811, T>C on the plus strand (A>G on the coding strand, the complement: DOCK7 is on the minus strand). VCF-style: chr1-62513811-T-C. GRCh37 (hg19) VCF-style: chr1-62979482-T-C.
Other names: c.4024A>G, p.Thr1342Ala (NM_001271999.2, NM_001330614.2); c.3931A>G, p.Thr1311Ala (NM_001272000.2, NM_001272001.2, NM_033407.4); short protein forms T1342A, T1311A.
Identifiers: ClinVar variation 1464237 (VCV001464237.6), dbSNP rs762341258, ClinGen allele CA885820.

ClinVar aggregate classification (germline): Uncertain significance (1 of 4 stars; one submission).

Conditions:
Developmental and epileptic encephalopathy, 23 (DEE23). Also called: Epileptic encephalopathy, early infantile, 23. Identifiers: Orphanet 411986, MedGen C4014492, MONDO:0014371, OMIM 615859.

Allele frequency attached by ClinVar (database versions not stated): ExAC 0.00001.

Submission:

Labcorp Genetics (formerly Invitae), Labcorp
Classification: Uncertain significance for Developmental and epileptic encephalopathy, 23. Last evaluated: 2022-08-10. Review status: criteria provided, single submitter. Criteria: Invitae Variant Classification Sherloc (09022015). Collection method: clinical testing. Allele origin: germline.
Comment: This sequence change replaces threonine, which is neutral and polar, with alanine, which is neutral and non-polar, at codon 1342 of the DOCK7 protein (p.Thr1342Ala). This variant is not present in population databases (gnomAD no frequency). This variant has not been reported in the literature in individuals affected with DOCK7-related conditions. ClinVar contains an entry for this variant (Variation ID: 1464237). Algorithms developed to predict the effect of missense changes on protein structure and function (SIFT, PolyPhen-2, Align-GVGD) all suggest that this variant is likely to be tolerated. In summary, the available evidence is currently insufficient to determine the role of this variant in disease. Therefore, it has been classified as a Variant of Uncertain Significance.